The following is an entry in ClinVar:

NM_000426.4(LAMA2):c.1840G>A (p.Glu614Lys)

Gene: LAMA2 (laminin subunit alpha 2; plus strand). Cytogenetic location: 6q22.33.
Variant type: single nucleotide variant.
Coding change: c.1840G>A on transcript NM_000426.4 (MANE Select); coding-DNA position 1840, G replaced by A.
Protein change: p.Glu614Lys; replaces glutamic acid 614 with lysine.
Molecular consequence: missense variant.
Genome position (GRCh38, 1-based): chr6:129,250,169, G>A. VCF-style: chr6-129250169-G-A. GRCh37 (hg19) VCF-style: chr6-129571314-G-A.
Other names: c.1840G>A, p.Glu614Lys (NM_001079823.2); short protein forms E614K.
Identifiers: ClinVar variation 935393 (VCV000935393.10), dbSNP rs1786069886, ClinGen allele CA365609584.

ClinVar aggregate classification (germline): Uncertain significance (1 of 4 stars; one submission).

Conditions:
LAMA2-related muscular dystrophy (LAMA2-RD). Also called: Laminin alpha 2-related dystrophy. Identifiers: MedGen C5679788, MONDO:0100228.

Submission:

Labcorp Genetics (formerly Invitae), Labcorp
Classification: Uncertain significance for LAMA2-related muscular dystrophy. Last evaluated: 2019-09-11. Review status: criteria provided, single submitter. Criteria: Invitae Variant Classification Sherloc (09022015). Collection method: clinical testing. Allele origin: germline.
Comment: Algorithms developed to predict the effect of missense changes on protein structure and function (SIFT, PolyPhen-2, Align-GVGD) all suggest that this variant is likely to be tolerated, but these predictions have not been confirmed by published functional studies and their clinical significance is uncertain. This variant has not been reported in the literature in individuals with LAMA2-related conditions. This variant is not present in population databases (ExAC no frequency). This sequence change replaces glutamic acid with lysine at codon 614 of the LAMA2 protein (p.Glu614Lys). The glutamic acid residue is weakly conserved and there is a small physicochemical difference between glutamic acid and lysine. In summary, the available evidence is currently insufficient to determine the role of this variant in disease. Therefore, it has been classified as a Variant of Uncertain Significance.